The following is an entry in ClinVar:

ClinVar aggregate classification (germline): Uncertain significance (1 of 4 stars; one submission).

Conditions:
Autosomal dominant childhood-onset proximal spinal muscular atrophy with contractures (SMALED2A). Also called: SPINAL MUSCULAR ATROPHY, LOWER EXTREMITY-PREDOMINANT, 2A, CHILDHOOD ONSET, AUTOSOMAL DOMINANT; Spinal muscular atrophy, lower extremity-predominant, 2A, autosomal dominant. Identifiers: Orphanet 363447, Orphanet 363454, MedGen C4747715, MONDO:0014121, OMIM 615290.

Submission:

Labcorp Genetics (formerly Invitae), Labcorp
Classification: Uncertain significance for Autosomal dominant childhood-onset proximal spinal muscular atrophy with contractures. Last evaluated: 2022-09-20. Review status: criteria provided, single submitter. Criteria: Invitae Variant Classification Sherloc (09022015). Collection method: clinical testing. Allele origin: germline.
Comment: In summary, the available evidence is currently insufficient to determine the role of this variant in disease. Therefore, it has been classified as a Variant of Uncertain Significance. This sequence change replaces aspartic acid, which is acidic and polar, with asparagine, which is neutral and polar, at codon 855 of the BICD2 protein (p.Asp855Asn). This variant is not present in population databases (gnomAD no frequency). This variant has not been reported in the literature in individuals affected with BICD2-related conditions. Advanced modeling of protein sequence and biophysical properties (such as structural, functional, and spatial information, amino acid conservation, physicochemical variation, residue mobility, and thermodynamic stability) has been performed at Invitae for this missense variant, however the output from this modeling did not meet the statistical confidence thresholds required to predict the impact of this variant on BICD2 protein function.

NM_001003800.2(BICD2):c.2563G>A (p.Asp855Asn)

Gene: BICD2 (BICD cargo adaptor 2; minus strand). Cytogenetic location: 9q22.31.
Variant type: single nucleotide variant.
Coding change: c.2563G>A on transcript NM_001003800.2 (MANE Select); coding-DNA position 2563, G replaced by A.
Protein change: p.Asp855Asn; replaces aspartic acid 855 with asparagine.
Molecular consequence: missense variant. On other transcripts: intron variant (1).
Genome position (GRCh38, 1-based): chr9:92,715,159, C>T on the plus strand (G>A on the coding strand, the complement: BICD2 is on the minus strand). VCF-style: chr9-92715159-C-T. GRCh37 (hg19) VCF-style: chr9-95477441-C-T.
Other names: c.2469+94G>A (NM_015250.4); short protein forms D855N.
Identifiers: ClinVar variation 2151504 (VCV002151504.4), dbSNP rs2490433638, ClinGen allele CA374029103.